The following is an entry in ClinVar:

ClinVar aggregate classification (germline): Conflicting classifications of pathogenicity. Review status: criteria provided, conflicting classifications (1 of 4 stars). 4 submissions from 4 submitters: Uncertain significance (3); Likely benign (1). Last evaluated 2026-02-16.

Conditions:
Charcot-Marie-Tooth disease axonal type 2O. Also called: CHARCOT-MARIE-TOOTH NEUROPATHY, AXONAL, TYPE 2O; CHARCOT-MARIE-TOOTH DISEASE, AXONAL, AUTOSOMAL DOMINANT, TYPE 2O; Charcot-Marie-Tooth Neuropathy Type 2O; Charcot-Marie-Tooth disease, axonal, type 20. Identifiers: Orphanet 284232, MedGen C3280220, MONDO:0013644, OMIM 614228.
Inborn genetic diseases. Identifiers: MedGen C0950123, MeSH D030342.
Autosomal dominant childhood-onset proximal spinal muscular atrophy without contractures. Also called: SPINAL MUSCULAR ATROPHY, JUVENILE, PROXIMAL, AUTOSOMAL DOMINANT; KUGELBERG-WELANDER SYNDROME, AUTOSOMAL DOMINANT; Spinal muscular atrophy, lower extremity-predominant 1, AD; SPINAL MUSCULAR ATROPHY, CHILDHOOD, PROXIMAL, AUTOSOMAL DOMINANT. Identifiers: Orphanet 209341, Orphanet 363447, MedGen C5780022, MONDO:0008026, OMIM 158600.
Cortical dysplasia, complex, with other brain malformations 13. Also called: Intellectual disability, autosomal dominant 13. Identifiers: MedGen C3281202, MONDO:0013805, OMIM 614563.

Allele frequency attached by ClinVar (database versions not stated): gnomAD 0.00001; TOPMed 0.00001.
gnomAD v4.1: 37 of 1,614,054 alleles (0.0023%); highest among the groups gnomAD compares: Middle Eastern, 0.099%; no homozygotes.

Submissions (4):

Ambry Genetics
Classification: Uncertain significance for Inborn genetic diseases. Last evaluated: 2026-02-16. Review status: criteria provided, single submitter. Criteria: Ambry Variant Classification Scheme 2023. Collection method: clinical testing. Allele origin: germline.
Comment: The c.10970G>C (p.G3657A) alteration is located in exon 58 (coding exon 58) of the DYNC1H1 gene. This alteration results from a G to C substitution at nucleotide position 10970, causing the glycine (G) at amino acid position 3657 to be replaced by an alanine (A). Based on data from gnomAD, the C allele has an overall frequency of 0.002% (5/251400) total alleles studied. The highest observed frequency was 0.049% (3/6134) of Other alleles. Based on insufficient or conflicting evidence, the clinical significance of this alteration remains unclear.

Labcorp Genetics (formerly Invitae), Labcorp
Classification: Likely benign for Charcot-Marie-Tooth disease axonal type 2O. Last evaluated: 2026-01-19. Review status: criteria provided, single submitter. Criteria: Invitae Variant Classification Sherloc (09022015). Collection method: clinical testing. Allele origin: germline.

Molecular Genetics, Royal Melbourne Hospital
Classification: Uncertain significance for Autosomal dominant childhood-onset proximal spinal muscular atrophy without contractures. Last evaluated: 2023-03-30. Review status: criteria provided, single submitter. Criteria: ACMG Guidelines, 2015. Collection method: clinical testing. Allele origin: germline.
Comment: This sequence change is predicted to replace glycine with alanine at codon 3657 of the DYNC1H1 protein (p.(Gly3657Ala)). The glycine residue is invariant across species (100 vertebrates, UCSC), and is located in the AAA 5 domain in the ATP-binding dynein motor region. There is a moderate physicochemical difference between glycine and alanine. The gene is highly constrained for missense variants (gnomAD v2.1). The variant is present in a large population cohort at a frequency of 0.002% (rs761427653, 5/251,400 alleles, 0 homozygotes in gnomAD v2.1), but is not present in a healthy control cohort (0/60,146 alleles in gnomAD v2.1). The variant has been identified in at least three individuals undergoing genetic testing for a neuropathy, but with inconsistent phenotypes (Invitae). Multiple lines of computational evidence predict a deleterious effect for the missense substitution (5/6 algorithms). A missense variant in an adjacent amino acid (p.Gly3658Glu) has been identified in a case with a malformation of cortical development (PMID: 27331017). Based on the classification scheme RMH ACMG Guidelines v1.2.1, this variant is classified as a VARIANT OF UNCERTAIN SIGNIFICANCE. Following criteria are met: PP2, PP3.

Neuberg Centre For Genomic Medicine, NCGM
Classification: Uncertain significance for Cortical dysplasia, complex, with other brain malformations 13. Review status: criteria provided, single submitter. Criteria: ACMG Guidelines, 2015. Collection method: clinical testing. Allele origin: germline. Inheritance: Autosomal dominant inheritance. Affected: yes.
Comment: The missense variant c.10970G>C (p.Gly3657Ala) in DYNC1H1 gene has not been reported previously as a pathogenic variant nor as a benign variant, to our knowledge. This variant is reported with the allele frequency (0.001%) in the gnomAD and novel in 1000 genome database. It is submitted to ClinVar as Uncertain significance. The amino acid Glycine at position 3657 is changed to a Alanine changing protein sequence and it might alter its composition and physico-chemical properties. The variant is predicted to be damaging by SIFT. The residue is predicted as conserved by GERP++ and PhyloP across 100 vertebrates. For these reasons, this variant has been classified as Uncertain Significance.

Literature cited by the submitters: PubMed 27331017 (cited by Molecular Genetics, Royal Melbourne Hospital).

NM_001376.5(DYNC1H1):c.10970G>C (p.Gly3657Ala)

Gene: DYNC1H1 (dynein cytoplasmic 1 heavy chain 1; plus strand). Cytogenetic location: 14q32.31.
Variant type: single nucleotide variant.
Coding change: c.10970G>C on transcript NM_001376.5 (MANE Select); coding-DNA position 10970, G replaced by C.
Protein change: p.Gly3657Ala; replaces glycine 3657 with alanine.
Molecular consequence: missense variant.
Genome position (GRCh38, 1-based): chr14:102,038,521, G>C. VCF-style: chr14-102038521-G-C. GRCh37 (hg19) VCF-style: chr14-102504858-G-C.
Other names: short protein forms G3657A.
Identifiers: ClinVar variation 644627 (VCV000644627.16), dbSNP rs761427653, ClinGen allele CA7353514.